The following is an entry in ClinVar:

ClinVar aggregate classification (germline): Uncertain significance (1 of 4 stars; one submission).

Conditions:
Microcephaly, normal intelligence and immunodeficiency (NBS). Also called: Nijmegen breakage syndrome; Microcephaly with normal intelligence immunodeficiency and lymphoreticular malignancies; Nonsyndromal microcephaly autosomal recessive with normal intelligence; Seemanova syndrome 2; SEEMANOVA SYNDROME II; IMMUNODEFICIENCY, MICROCEPHALY, AND CHROMOSOMAL INSTABILITY. Identifiers: Orphanet 647, MedGen C0398791, MONDO:0009623, OMIM 251260.

Submission:

Labcorp Genetics (formerly Invitae), Labcorp
Classification: Uncertain significance for Microcephaly, normal intelligence and immunodeficiency. Last evaluated: 2021-07-17. Review status: criteria provided, single submitter. Criteria: Invitae Variant Classification Sherloc (09022015). Collection method: clinical testing. Allele origin: germline.
Comment: In summary, the available evidence is currently insufficient to determine the role of this variant in disease. Therefore, it has been classified as a Variant of Uncertain Significance. Algorithms developed to predict the effect of missense changes on protein structure and function are either unavailable or do not agree on the potential impact of this missense change (SIFT: "Tolerated"; PolyPhen-2: "Possibly Damaging"; Align-GVGD: "Class C0"). This variant has not been reported in the literature in individuals with NBN-related conditions. This variant is not present in population databases (ExAC no frequency). This sequence change replaces valine with glutamic acid at codon 403 of the NBN protein (p.Val403Glu). The valine residue is weakly conserved and there is a moderate physicochemical difference between valine and glutamic acid.

NM_002485.5(NBN):c.1208T>A (p.Val403Glu)

Gene: NBN (nibrin; minus strand). Cytogenetic location: 8q21.3.
Variant type: single nucleotide variant.
Coding change: c.1208T>A on transcript NM_002485.5 (MANE Select); coding-DNA position 1208, T replaced by A.
Protein change: p.Val403Glu; replaces valine 403 with glutamic acid.
Molecular consequence: missense variant.
Genome position (GRCh38, 1-based): chr8:89,955,472, A>T on the plus strand (T>A on the coding strand, the complement: NBN is on the minus strand). VCF-style: chr8-89955472-A-T. GRCh37 (hg19) VCF-style: chr8-90967700-A-T.
Other names: c.962T>A, p.Val321Glu (NM_001024688.3); short protein forms V321E, V403E.
Identifiers: ClinVar variation 1054126 (VCV001054126.9), dbSNP rs1554559273, ClinGen allele CA371656360.
Genomic context (GRCh38, chr8:89,955,472, plus strand): 5'-TTAGCCAAAGTATTTGATACCATACTATTATTATTAGAGCTTGTTTTGCAGGACTCCTTT[A>T]CAGTGGGTGCATCTTGTGAAAGCATTCTGAATTTTTGTTCCATTTTGGAGACTTTGATTT-3'
Protein context (NP_002476.2, residues 393-413): FRMLSQDAPT[Val403Glu]KESCKTSSNN